The following is an entry in ClinVar:

ClinVar aggregate classification (germline): Uncertain significance (1 of 4 stars; one submission).

Conditions:
Polyglandular autoimmune syndrome, type 1 (APS1). Also called: HYPOADRENOCORTICISM WITH HYPOPARATHYROIDISM AND SUPERFICIAL MONILIASIS; PGA I; AUTOIMMUNE POLYENDOCRINE SYNDROME, TYPE I, WITH OR WITHOUT REVERSIBLE METAPHYSEAL DYSPLASIA; APS I; Autoimmune polyendocrinopathy syndrome , type I, with or without reversible metaphyseal dysplasia; Whitaker syndrome. Identifiers: Orphanet 3453, MedGen C0085859, MONDO:0009411, OMIM 240300.

Submission:

Labcorp Genetics (formerly Invitae), Labcorp
Classification: Uncertain significance for Polyglandular autoimmune syndrome, type 1. Last evaluated: 2024-10-28. Review status: criteria provided, single submitter. Criteria: Invitae Variant Classification Sherloc (09022015). Collection method: clinical testing. Allele origin: germline.
Comment: This sequence change replaces glycine, which is neutral and non-polar, with tryptophan, which is neutral and slightly polar, at codon 204 of the AIRE protein (p.Gly204Trp). This variant is not present in population databases (gnomAD no frequency). This variant has not been reported in the literature in individuals affected with AIRE-related conditions. Invitae Evidence Modeling of protein sequence and biophysical properties (such as structural, functional, and spatial information, amino acid conservation, physicochemical variation, residue mobility, and thermodynamic stability) indicates that this missense variant is expected to disrupt AIRE protein function with a positive predictive value of 95%. In summary, the available evidence is currently insufficient to determine the role of this variant in disease. Therefore, it has been classified as a Variant of Uncertain Significance.

NM_000383.4(AIRE):c.610G>T (p.Gly204Trp)

Gene: AIRE (autoimmune regulator; plus strand). Cytogenetic location: 21q22.3.
Variant type: single nucleotide variant.
Coding change: c.610G>T on transcript NM_000383.4 (MANE Select); coding-DNA position 610, G replaced by T.
Protein change: p.Gly204Trp; replaces glycine 204 with tryptophan.
Molecular consequence: missense variant.
Genome position (GRCh38, 1-based): chr21:44,288,416, G>T. VCF-style: chr21-44288416-G-T. GRCh37 (hg19) VCF-style: chr21-45708299-G-T.
Other names: short protein forms G204W.
Identifiers: ClinVar variation 3637840 (VCV003637840.2).
Genomic context (GRCh38, chr21:44,288,416, plus strand): 5'-ATGTCAGCTTCAGTCCAGAGAGCTGTGGCCATGTCCTCCGGGGACGTCCCGGGAGCCCGA[G>T]GGGCCGTGGAGGGGATCCTCATCCAGCAGGTGTTTGAGTCAGGTAGACGCTGTGGCGGGG-3'
Protein context (NP_000374.1, residues 194-214): MSSGDVPGAR[Gly204Trp]AVEGILIQQV